The following is an entry in ClinVar:

ClinVar aggregate classification (germline): Likely benign (1 of 4 stars; one submission).

Allele frequency attached by ClinVar (database versions not stated): gnomAD 0.01179; TOPMed 0.01249; 1000 Genomes Project 0.01398; 1000 Genomes Project 30x 0.01437.
gnomAD v4.1: 1,755 of 152,150 alleles (1.2%); highest among the groups gnomAD compares: African/African-American, 3.8%; 40 homozygotes.

Submission:

GeneDx
Classification: Likely benign. Last evaluated: 2018-06-16. Review status: criteria provided, single submitter. Criteria: GeneDx Variant Classification (06012015). Collection method: clinical testing. Allele origin: germline. Affected: yes.
Comment: This variant is considered likely benign or benign based on one or more of the following criteria: it is a conservative change, it occurs at a poorly conserved position in the protein, it is predicted to be benign by multiple in silico algorithms, and/or has population frequency not consistent with disease.

NM_000182.5(HADHA):c.1220+206G>A

Genes: GAREM2 (GRB2 associated regulator of MAPK1 subtype 2; plus strand), HADHA (hydroxyacyl-CoA dehydrogenase trifunctional multienzyme complex subunit alpha; minus strand). Cytogenetic location: 2p23.3.
Variant type: single nucleotide variant.
Coding change: c.1220+206G>A on transcript NM_000182.5 (MANE Select); 206 bases into the intron after coding-DNA position 1220, G replaced by A.
Molecular consequence: intron variant.
Genome position (GRCh38, 1-based): chr2:26,203,856, C>T on the plus strand (G>A on the coding strand, the complement: HADHA is on the minus strand). VCF-style: chr2-26203856-C-T. GRCh37 (hg19) VCF-style: chr2-26426725-C-T.
Identifiers: ClinVar variation 679658 (VCV000679658.1), dbSNP rs116579827, ClinGen allele CA44385941.